The following is an entry in ClinVar:

NM_001042492.3(NF1):c.6806G>A (p.Arg2269His)

Gene: NF1 (neurofibromin 1; plus strand). Cytogenetic location: 17q11.2.
Variant type: single nucleotide variant.
Coding change: c.6806G>A on transcript NM_001042492.3 (MANE Select); coding-DNA position 6806, G replaced by A.
Protein change: p.Arg2269His; replaces arginine 2269 with histidine.
Molecular consequence: missense variant.
Genome position (GRCh38, 1-based): chr17:31,338,126, G>A. VCF-style: chr17-31338126-G-A. GRCh37 (hg19) VCF-style: chr17-29665144-G-A.
Other names: c.6743G>A, p.Arg2248His (NM_000267.4); short protein forms R2248H, R2269H.
Identifiers: ClinVar variation 142753 (VCV000142753.22), dbSNP rs562367786, ClinGen allele CA169320.

ClinVar aggregate classification (germline): Conflicting classifications of pathogenicity. Review status: criteria provided, conflicting classifications (1 of 4 stars). 8 submissions from 7 submitters: Uncertain significance (6); Likely benign (2). Last evaluated 2026-01-17.

Conditions:
Hereditary cancer-predisposing syndrome. Also called: Tumor predisposition; Neoplastic Syndromes, Hereditary; Hereditary neoplastic syndrome; Hereditary Cancer Syndrome. Identifiers: Orphanet 140162, MedGen C0027672, MeSH D009386, MONDO:0015356.
Cardiovascular phenotype. Identifiers: MedGen CN230736.
Neurofibromatosis, type 1 (NF1). Also called: VON RECKLINGHAUSEN DISEASE; Neurofibromatosis, type I; NEUROFIBROMATOSIS, TYPE I, SOMATIC; Peripheral type neurofibromatosis. Identifiers: Orphanet 636, MedGen C0027831, MONDO:0018975, OMIM 162200. Disease mechanism: loss of function.
Neurofibromatosis-Noonan syndrome (NFNS). Also called: NEUROFIBROMATOSIS WITH NOONAN PHENOTYPE. Identifiers: Orphanet 638, MedGen C2931482, MONDO:0011035, OMIM 601321. Disease mechanism: loss of function.
Café-au-lait macules with pulmonary stenosis (WTSN). Also called: PULMONIC STENOSIS WITH CAFE-AU-LAIT SPOTS. Identifiers: MedGen C0553586, MONDO:0008672, OMIM 193520.
Neurofibromatosis, familial spinal (FSNF). Identifiers: Orphanet 636, MedGen C1834235, MONDO:0008078, OMIM 162210. Disease mechanism: loss of function.
Juvenile myelomonocytic leukemia (JMML). Also called: LEUKEMIA, JUVENILE MYELOMONOCYTIC, SOMATIC. Identifiers: Orphanet 86834, MedGen C0349639, MONDO:0011908, OMIM 607785, HP:0012209.

Allele frequency attached by ClinVar (database versions not stated): gnomAD 0.00001; gnomAD exomes 0.00001; TOPMed 0.00001.
gnomAD v4.1: 12 of 1,611,780 alleles (0.00074%); highest among the groups gnomAD compares: Admixed American, 0.005%; no homozygotes.

Submissions (8):

Labcorp Genetics (formerly Invitae), Labcorp
Classification: Likely benign for Neurofibromatosis, type 1. Last evaluated: 2026-01-17. Review status: criteria provided, single submitter. Criteria: Invitae Variant Classification Sherloc (09022015). Collection method: clinical testing. Allele origin: germline.

Fulgent Genetics
Classification: Uncertain significance for Neurofibromatosis, type 1; Neurofibromatosis, familial spinal; Café-au-lait macules with pulmonary stenosis; Neurofibromatosis-Noonan syndrome; Juvenile myelomonocytic leukemia. Last evaluated: 2024-01-05. Review status: criteria provided, single submitter. Criteria: ACMG Guidelines, 2015. Collection method: clinical testing. Allele origin: germline.

GeneDx
Classification: Uncertain significance. Last evaluated: 2022-12-22. Review status: criteria provided, single submitter. Criteria: GeneDx Variant Classification Process June 2021. Collection method: clinical testing. Allele origin: germline. Affected: yes.
Comment: In silico analysis supports that this missense variant has a deleterious effect on protein structure/function; Reported in an individual with NF1, however no additional information was provided (Cali et al., 2017); Observed in individuals with breast cancer (Dorling et al., 2021); This variant is associated with the following publications: (PMID: 27838393, 33471991)

Ambry Genetics
Classification: Likely benign for Cardiovascular phenotype; Hereditary cancer-predisposing syndrome. Last evaluated: 2022-12-21. Review status: criteria provided, single submitter. Criteria: Ambry Variant Classification Scheme 2023. Collection method: clinical testing. Allele origin: germline.

Genome-Nilou Lab
Classification: Uncertain significance for Neurofibromatosis, type 1. Last evaluated: 2022-03-15. Review status: criteria provided, single submitter. Criteria: ACMG Guidelines, 2015. Collection method: clinical testing. Allele origin: germline. Affected: no.

Sema4
Classification: Uncertain significance for Hereditary cancer-predisposing syndrome. Last evaluated: 2021-12-17. Review status: criteria provided, single submitter. Criteria: Sema4 Curation Guidelines. Collection method: curation. Allele origin: germline.
Comment: The NF1 c.6743G>A (p.R2248H) variant has been reported in heterozygosity in at least three individuals with neurofibromatosis type I or breast cancer (PMID: 27838393, 33471991). This variant was observed in 4/35438 chromosomes in the Latino population according to the Genome Aggregation Database (PMID: 32461654), and has been reported in ClinVar (Variation ID: 142753). Functional studies have not been performed, and in silico predictions of the variant's effect on protein function are inconclusive. Based on the current evidence available, this variant is interpreted as a variant of uncertain significance.

Institute for Clinical Genetics, University Hospital TU Dresden, University Hospital TU Dresden
Classification: Uncertain significance. Last evaluated: 2021-11-03. Review status: criteria provided, single submitter. Criteria: ACMG Guidelines, 2015. Collection method: clinical testing. Allele origin: germline.

Ambry Genetics
Classification: Uncertain significance for Hereditary cancer-predisposing syndrome. Last evaluated: 2015-10-09. Review status: criteria provided, single submitter. Criteria: Ambry Autosomal Dominant and X-Linked criteria (10/2015). Collection method: clinical testing. Allele origin: germline. Observed: 1 variant allele.
Comment: The p.R2269H variant (also known as c.6806G>A), located in coding exon 45 of the NF1 gene, results from a G to A substitution at nucleotide position 6806. The arginine at codon 2269 is replaced by histidine, an amino acid with highly similar properties. This variant was not reported in population based cohorts in the following databases: Database of Single Nucleotide Polymorphisms (dbSNP), NHLBI Exome Sequencing Project (ESP), and 1000 Genomes Project. To date, this alteration has been detected with an allele frequency of approximately 0.002% (greater than 110000 alleles tested) in our clinical cohort. This amino acid position is highly conserved in available vertebrate species. In addition, the in silico prediction for this alteration is inconclusive. Since supporting evidence is limited at this time, the clinical significance of p.R2269H remains unclear.

Literature cited by the submitters: PubMed 27838393 (cited by Sema4); PubMed 33471991 (cited by Sema4).